The following is an entry in ClinVar:

NM_000484.4(APP):c.1115C>T (p.Pro372Leu)

Gene: APP (amyloid beta precursor protein; minus strand). Cytogenetic location: 21q21.3.
Variant type: single nucleotide variant.
Coding change: c.1115C>T on transcript NM_000484.4 (MANE Select); coding-DNA position 1115, C replaced by T.
Protein change: p.Pro372Leu; replaces proline 372 with leucine.
Molecular consequence: missense variant.
Genome position (GRCh38, 1-based): chr21:25,982,453, G>A on the plus strand (C>T on the coding strand, the complement: APP is on the minus strand). VCF-style: chr21-25982453-G-A. GRCh37 (hg19) VCF-style: chr21-27354766-G-A.
Other names: c.1043C>T, p.Pro348Leu (NM_001136016.3); c.722C>T, p.Pro241Leu (NM_001136129.3); c.947C>T, p.Pro316Leu (NM_001136130.3, NM_001385253.1); c.785C>T, p.Pro262Leu (NM_001136131.3); c.1115C>T, p.Pro372Leu (NM_001204301.2); c.1058C>T, p.Pro353Leu (NM_001204302.2, NM_201413.3); c.890C>T, p.Pro297Leu (NM_001204303.2, NM_201414.3); short protein forms P241L, P262L, P297L, P316L, P348L, P353L, P372L.
Identifiers: ClinVar variation 4855960 (VCV004855960.1).

ClinVar aggregate classification (germline): Uncertain significance (1 of 4 stars; one submission).

Conditions:
Alzheimer disease type 1 (AD1). Also called: ALZHEIMER DISEASE, FAMILIAL, 1; ALZHEIMER DISEASE, FAMILIAL, 1, AUTOSOMAL RECESSIVE. Identifiers: MedGen C1863052, MONDO:0007088, OMIM 104300.

Submission:

3billion
Classification: Uncertain significance for Alzheimer disease type 1. Last evaluated: 2026-01-26. Review status: criteria provided, single submitter. Criteria: ACMG Guidelines, 2015. Collection method: clinical testing. Allele origin: germline. Affected: yes.
Comment: The variant is not observed in the gnomAD v4.1.0 dataset. Predicted Consequence/Location: Missense variant. Missense changes are a common disease-causing mechanism. In silico tool predictions suggest no damaging effect of the variant on gene or gene product [REVEL: 0.20 (<0.4); 3Cnet: 0.00 (<0.1, specificity 0.84 and negative predicitive value 0.97)]. Therefore, this variant is classified as VUS according to the recommendation of ACMG/AMP guideline.